The following is an entry in ClinVar:

ClinVar aggregate classification (germline): Benign. Review status: criteria provided, multiple submitters, no conflicts (2 of 4 stars). 2 submissions from 2 submitters: Benign (2). Last evaluated 2018-01-12.

Conditions:
Deficiency of iodide peroxidase (TDH2A). Also called: HYPOTHYROIDISM, CONGENITAL, DUE TO DYSHORMONOGENESIS, 2A; IODIDE PEROXIDASE DEFICIENCY; THYROID HORMONOGENESIS, GENETIC DEFECT IN, 2A; THYROID PEROXIDASE DEFICIENCY; Thyroid dyshormonogenesis 2A. Identifiers: Orphanet 95716, MedGen C1291299, MONDO:0010133, OMIM 274500.

Allele frequency attached by ClinVar (database versions not stated): gnomAD exomes 0.51099; TOPMed 0.57741; 1000 Genomes Project 30x 0.62883; 1000 Genomes Project 0.63239.
gnomAD v4.1: 91,907 of 162,578 alleles (57%); highest among the groups gnomAD compares: Admixed American, 66%; 26,357 homozygotes.

Submissions (2):

Illumina Laboratory Services, Illumina
Classification: Benign for Deficiency of iodide peroxidase. Last evaluated: 2018-01-12. Review status: criteria provided, single submitter. Criteria: ICSL Variant Classification Criteria 13 December 2019. Collection method: clinical testing. Allele origin: germline.
Comment: This variant was observed in the ICSL laboratory as part of a predisposition screen in an ostensibly healthy population. It had not been previously curated by ICSL or reported in the Human Gene Mutation Database (HGMD: prior to June 1st, 2018), and was therefore a candidate for classification through an automated scoring system. Utilizing variant allele frequency, disease prevalence and penetrance estimates, and inheritance mode, an automated score was calculated to assess if this variant is too frequent to cause the disease. Based on the score and internal cut-off values, a variant classified as benign is not then subjected to further curation. The score for this variant resulted in a classification of benign for this disease.

Breakthrough Genomics
Classification: Benign. Review status: criteria provided, single submitter. Criteria: ACMG Guidelines, 2015. Collection method: not provided. Allele origin: germline. Inheritance: Autosomal recessive inheritance. Affected: yes.

NM_001206744.2(TPO):c.-75A>G

Gene: TPO (thyroid peroxidase; plus strand). Cytogenetic location: 2p25.3.
Variant type: single nucleotide variant.
Coding change: c.-75A>G on transcript NM_001206744.2 (MANE Select); 75 bases upstream of the start codon, A replaced by G.
Molecular consequence: 5 prime UTR variant.
Genome position (GRCh38, 1-based): chr2:1,413,472, A>G. VCF-style: chr2-1413472-A-G. GRCh37 (hg19) VCF-style: chr2-1417244-A-G.
Other names: c.-80A>G (NM_000547.6, NM_175719.4); c.-75A>G (NM_001206745.2).
Identifiers: ClinVar variation 331215 (VCV000331215.6), dbSNP rs2071403, ClinGen allele CA10611196.
Genomic context (GRCh38, chr2:1,413,472, plus strand): 5'-GGGCTATCCAAGCGCGGAGTCAGTTTATAAGGTGGGTAACCAAGTCCCTGGAAGGCAATT[A>G]AGGCGCCCATTTCAGAAGAGTTACAGCCGTGAAAATTACTCAGCAGTGCAGTTGGCTGAG-3'